The following is an entry in ClinVar:

NM_020928.2(ZSWIM6):c.121G>A (p.Ala41Thr)

Gene: ZSWIM6 (zinc finger SWIM-type containing 6; plus strand). Cytogenetic location: 5q12.1.
Variant type: single nucleotide variant.
Coding change: c.121G>A on transcript NM_020928.2 (MANE Select); coding-DNA position 121, G replaced by A.
Protein change: p.Ala41Thr; replaces alanine 41 with threonine.
Molecular consequence: missense variant.
Genome position (GRCh38, 1-based): chr5:61,332,393, G>A. VCF-style: chr5-61332393-G-A. GRCh37 (hg19) VCF-style: chr5-60628220-G-A.
Other names: c.121G>A (NM_020928.1); short protein forms A41T.
Identifiers: ClinVar variation 1641320 (VCV001641320.12), dbSNP rs1251801615, ClinGen allele CA359940028.

ClinVar aggregate classification (germline): Conflicting classifications of pathogenicity. Review status: criteria provided, conflicting classifications (1 of 4 stars). 4 submissions from 4 submitters: Uncertain significance (2); Likely benign (2). Last evaluated 2026-09-01.

Conditions:
Inborn genetic diseases. Identifiers: MedGen C0950123, MeSH D030342.
Acromelic frontonasal dysostosis (AFND). Identifiers: Orphanet 1827, MedGen C1863616, MONDO:0011359, OMIM 603671.
Neurodevelopmental disorder with movement abnormalities, abnormal gait, and autistic features. Identifiers: MedGen C4693405, MONDO:0060642, OMIM 617865.

Allele frequency attached by ClinVar (database versions not stated): gnomAD exomes 0.00003; gnomAD 0.00008; TOPMed 0.00009.

Submissions (4):

CeGaT Center for Human Genetics Tuebingen
Classification: Likely benign. Last evaluated: 2026-09-01. Review status: criteria provided, single submitter. Criteria: CeGaT Center For Human Genetics Tuebingen Variant Classification Criteria Version 2. Collection method: clinical testing. Allele origin: germline. Affected: yes. Observed: 1 variant allele.
Comment: ZSWIM6: BS2

Ambry Genetics
Classification: Uncertain significance for Inborn genetic diseases. Last evaluated: 2024-10-08. Review status: criteria provided, single submitter. Criteria: Ambry Variant Classification Scheme 2023. Collection method: clinical testing. Allele origin: germline.

Labcorp Genetics (formerly Invitae), Labcorp
Classification: Likely benign. Last evaluated: 2024-02-23. Review status: criteria provided, single submitter. Criteria: Invitae Variant Classification Sherloc (09022015). Collection method: clinical testing. Allele origin: germline.

Department of Pathology and Laboratory Medicine, Sinai Health System
Classification: Uncertain significance for Acromelic frontonasal dysostosis; Neurodevelopmental disorder with movement abnormalities, abnormal gait, and autistic features. Last evaluated: 2021-07-30. Review status: criteria provided, single submitter. Criteria: ACMG Guidelines, 2015. Collection method: research. Allele origin: germline.